The following is an entry in ClinVar:

ClinVar aggregate classification (germline): Benign. Review status: criteria provided, multiple submitters, no conflicts (2 of 4 stars). 2 submissions from 2 submitters: Benign (2). Last evaluated 2018-06-19.

Allele frequency attached by ClinVar (database versions not stated): gnomAD exomes 0.11986 and 0.09541; 1000 Genomes Project 0.04792; TOPMed 0.08393; 1000 Genomes Project 30x 0.04622; gnomAD 0.08954 and 0.09103; ExAC 0.09893; ESP Exome Variant Server 0.09871.
gnomAD v4.1: 174,428 of 1,499,558 alleles (12%); highest among the groups gnomAD compares: Non-Finnish European, 14%; 11,086 homozygotes.

Submissions (9):

GeneDx
Classification: Benign. Last evaluated: 2018-06-19. Review status: criteria provided, single submitter. Criteria: GeneDx Variant Classification (06012015). Collection method: clinical testing. Allele origin: germline. Affected: yes.
Comment: This variant is considered likely benign or benign based on one or more of the following criteria: it is a conservative change, it occurs at a poorly conserved position in the protein, it is predicted to be benign by multiple in silico algorithms, and/or has population frequency not consistent with disease.

Breakthrough Genomics
Classification: Benign. Review status: criteria provided, single submitter. Criteria: ACMG Guidelines, 2015. Collection method: not provided. Allele origin: germline. Inheritance: Autosomal dominant inheritance. Affected: yes.

Dr. Peter K. Rogan Lab, Western University
No classification provided (evidence only). Condition: Cholangiocarcinoma. Review status: no classification provided. Collection method: in vitro. Allele origin: not applicable. Functional consequence: retained intron. Not counted in ClinVar's aggregate classification.

Dr. Peter K. Rogan Lab, Western University
No classification provided (evidence only). Condition: Nonpapillary renal cell carcinoma. Review status: no classification provided. Collection method: in vitro. Allele origin: not applicable. Functional consequence: retained intron. Not counted in ClinVar's aggregate classification.

Dr. Peter K. Rogan Lab, Western University
No classification provided (evidence only). Condition: Nonpapillary renal cell carcinoma. Review status: no classification provided. Collection method: in vitro. Allele origin: not applicable. Functional consequence: retained intron. Not counted in ClinVar's aggregate classification.

Dr. Peter K. Rogan Lab, Western University
No classification provided (evidence only). Condition: Nonpapillary renal cell carcinoma. Review status: no classification provided. Collection method: in vitro. Allele origin: not applicable. Functional consequence: retained intron. Not counted in ClinVar's aggregate classification.

Dr. Peter K. Rogan Lab, Western University
No classification provided (evidence only). Condition: Nonpapillary renal cell carcinoma. Review status: no classification provided. Collection method: in vitro. Allele origin: not applicable. Functional consequence: retained intron. Not counted in ClinVar's aggregate classification.

Dr. Peter K. Rogan Lab, Western University
No classification provided (evidence only). Condition: Nonpapillary renal cell carcinoma. Review status: no classification provided. Collection method: in vitro. Allele origin: not applicable. Functional consequence: retained intron. Not counted in ClinVar's aggregate classification.

Dr. Peter K. Rogan Lab, Western University
No classification provided (evidence only). Condition: Ovarian cancer. Review status: no classification provided. Collection method: in vitro. Allele origin: not applicable. Functional consequence: retained intron. Not counted in ClinVar's aggregate classification.

NM_001148.6(ANK2):c.4122+29T>G

Gene: ANK2 (ankyrin 2; plus strand). Cytogenetic location: 4q26.
Variant type: single nucleotide variant.
Coding change: c.4122+29T>G on transcript NM_001148.6 (MANE Select); 29 bases into the intron after coding-DNA position 4122, T replaced by G.
Molecular consequence: intron variant.
Genome position (GRCh38, 1-based): chr4:113,341,945, T>G. VCF-style: chr4-113341945-T-G. GRCh37 (hg19) VCF-style: chr4-114263101-T-G.
Other names: NC_000004.11:g.114263101T>G; c.4107+29T>G (NM_001386186.2, NM_001386148.2); c.3909+29T>G (NM_001354269.3); c.3987+29T>G (NM_001386187.2); c.3981+29T>G (NM_001386147.1, NM_001354261.2); c.3966+29T>G (NM_001386160.1); c.4071+29T>G (NM_001354254.2); c.4092+29T>G (NM_001354239.2, NM_001354252.2); and 32 more.
Identifiers: ClinVar variation 671892 (VCV000671892.3), dbSNP rs62313243, ClinGen allele CA3050989.